The following is an entry in ClinVar:

ClinVar aggregate classification (germline): Uncertain significance (1 of 4 stars; one submission).

Conditions:
Inborn genetic diseases. Identifiers: MedGen C0950123, MeSH D030342.

Submission:

Ambry Genetics
Classification: Uncertain significance for Inborn genetic diseases. Last evaluated: 2025-11-10. Review status: criteria provided, single submitter. Criteria: Ambry Variant Classification Scheme 2023. Collection method: clinical testing. Allele origin: germline.
Comment: The p.V451A variant (also known as c.1352T>C), located in coding exon 1 of the SAMD9 gene, results from a T to C substitution at nucleotide position 1352. The valine at codon 451 is replaced by alanine, an amino acid with similar properties. This amino acid position is conserved. In addition, this alteration is predicted to be tolerated by in silico analysis. Based on the available evidence, the clinical significance of this variant remains unclear.

NM_017654.4(SAMD9):c.1352T>C (p.Val451Ala)

Gene: SAMD9 (sterile alpha motif domain containing 9; minus strand). Cytogenetic location: 7q21.2.
Variant type: single nucleotide variant.
Coding change: c.1352T>C on transcript NM_017654.4 (MANE Select); coding-DNA position 1352, T replaced by C.
Protein change: p.Val451Ala; replaces valine 451 with alanine.
Molecular consequence: missense variant.
Genome position (GRCh38, 1-based): chr7:93,104,746, A>G on the plus strand (T>C on the coding strand, the complement: SAMD9 is on the minus strand). VCF-style: chr7-93104746-A-G. GRCh37 (hg19) VCF-style: chr7-92734059-A-G.
Other names: c.1352T>C, p.Val451Ala (NM_001193307.2); short protein forms V451A.
Identifiers: ClinVar variation 4629935 (VCV004629935.1).